The following is an entry in ClinVar:

NM_206933.4(USH2A):c.1336C>T (p.Pro446Ser)

Gene: USH2A (usherin; minus strand). Cytogenetic location: 1q41.
Variant type: single nucleotide variant.
Coding change: c.1336C>T on transcript NM_206933.4 (MANE Select); coding-DNA position 1336, C replaced by T.
Protein change: p.Pro446Ser; replaces proline 446 with serine.
Molecular consequence: missense variant.
Genome position (GRCh38, 1-based): chr1:216,323,688, G>A on the plus strand (C>T on the coding strand, the complement: USH2A is on the minus strand). VCF-style: chr1-216323688-G-A. GRCh37 (hg19) VCF-style: chr1-216497030-G-A.
Other names: c.1336C>T, p.Pro446Ser (NM_007123.6); c.1336C>T (NM_206933.2); short protein forms P446S.
Identifiers: ClinVar variation 2148393 (VCV002148393.4), dbSNP rs755408175, ClinGen allele CA1396542.

ClinVar aggregate classification (germline): Uncertain significance. Review status: criteria provided, multiple submitters, no conflicts (2 of 4 stars). 3 submissions from 3 submitters: Uncertain significance (3). Last evaluated 2025-11-21.

Conditions:
Inborn genetic diseases. Identifiers: MedGen C0950123, MeSH D030342.

Allele frequency attached by ClinVar (database versions not stated): gnomAD 0.00001; TOPMed 0.00002; ExAC 0.00002.
gnomAD v4.1: 8 of 1,613,194 alleles (0.0005%); highest among the groups gnomAD compares: Admixed American, 0.012%; no homozygotes.

Submissions (3):

GeneDx
Classification: Uncertain significance. Last evaluated: 2025-11-21. Review status: criteria provided, single submitter. Criteria: GeneDx Variant Classification Process June 2021. Collection method: clinical testing. Allele origin: germline.
Comment: In silico analysis supports that this missense variant has a deleterious effect on protein structure/function; Has not been previously published as pathogenic or benign to our knowledge

Ambry Genetics
Classification: Uncertain significance for Inborn genetic diseases. Last evaluated: 2024-09-26. Review status: criteria provided, single submitter. Criteria: Ambry Variant Classification Scheme 2023. Collection method: clinical testing. Allele origin: germline.

Labcorp Genetics (formerly Invitae), Labcorp
Classification: Uncertain significance. Last evaluated: 2022-08-08. Review status: criteria provided, single submitter. Criteria: Invitae Variant Classification Sherloc (09022015). Collection method: clinical testing. Allele origin: germline.
Comment: This sequence change replaces proline, which is neutral and non-polar, with serine, which is neutral and polar, at codon 446 of the USH2A protein (p.Pro446Ser). This variant is present in population databases (rs755408175, gnomAD 0.01%). This variant has not been reported in the literature in individuals affected with USH2A-related conditions. Algorithms developed to predict the effect of missense changes on protein structure and function (SIFT, PolyPhen-2, Align-GVGD) all suggest that this variant is likely to be disruptive. In summary, the available evidence is currently insufficient to determine the role of this variant in disease. Therefore, it has been classified as a Variant of Uncertain Significance.